The following is an entry in ClinVar:

ClinVar aggregate classification (germline): Pathogenic. Review status: criteria provided, multiple submitters, no conflicts (2 of 4 stars). 4 submissions from 4 submitters: Pathogenic (4). Last evaluated 2025-07-10.

Conditions:
Polycystic kidney disease 2 (PKD2). Also called: POLYCYSTIC KIDNEY DISEASE, ADULT, TYPE II; Polycystic Kidney Disease 2, Autosomal Dominant; POLYCYSTIC KIDNEY DISEASE 2 WITH OR WITHOUT POLYCYSTIC LIVER DISEASE. Identifiers: MedGen C2751306, MONDO:0013131, OMIM 613095.
Autosomal dominant polycystic kidney disease. Identifiers: Orphanet 730, MedGen C0085413, MONDO:0004691.
PKD2-related disorder. Also called: PKD2-related condition.

Submissions (4):

Variantyx, Inc.
Classification: Pathogenic for Polycystic kidney disease 2. Last evaluated: 2025-07-10. Review status: criteria provided, single submitter. Criteria: Variantyx Assertion Criteria 2022. Collection method: clinical testing. Allele origin: germline. Inheritance: Autosomal dominant inheritance. Affected: yes.
Comment: This is a frameshift variant in the PKD2 gene (OMIM: 173910). Pathogenic variants in this gene have been associated with autosomal dominant polycystic kidney disease 2. This variant introduces a premature termination codon in exon 1 out of 15 and is expected to result in loss of function, which is a known disease mechanism for PKD2 in this disorder (PMID: 20301424, 22383692) (PVS1). This variant has been reported in at least 1 affected individual (PMID: 22383692) (PS4) and has a 0.0030% maximum allele frequency in non-founder control populations (PM2). Based on the current evidence, this variant is classified as pathogenic for autosomal dominant polycystic kidney disease 2.

PreventionGenetics, part of Exact Sciences
Classification: Pathogenic for PKD2-related condition. Last evaluated: 2025-04-02. Review status: criteria provided, single submitter. Criteria: ACMG Guidelines, 2015. Collection method: clinical testing. Allele origin: germline.
Comment: The PKD2 c.203delC variant is predicted to result in a frameshift and premature protein termination (p.Pro68Argfs*49). This variant has been reported to be causative for autosomal dominant polycystic kidney disease (ADPKD) (Rossetti et al. 2012. PubMed ID: 22383692). This variant is reported in 0.028% of alleles in individuals of East Asian descent in gnomAD. Frameshift variants in PKD2 are expected to be pathogenic. This variant is interpreted as pathogenic.

Labcorp Genetics (formerly Invitae), Labcorp
Classification: Pathogenic for Autosomal dominant polycystic kidney disease. Last evaluated: 2024-06-24. Review status: criteria provided, single submitter. Criteria: Invitae Variant Classification Sherloc (09022015). Collection method: clinical testing. Allele origin: germline.
Comment: This sequence change creates a premature translational stop signal (p.Pro68Argfs*49) in the PKD2 gene. It is expected to result in an absent or disrupted protein product. Loss-of-function variants in PKD2 are known to be pathogenic (PMID: 17582161, 22863349). The frequency data for this variant in the population databases is considered unreliable, as metrics indicate poor data quality at this position in the gnomAD database. This premature translational stop signal has been observed in individual(s) with polycystic kidney disease (PMID: 22383692). For these reasons, this variant has been classified as Pathogenic.

Juno Genomics, Hangzhou Juno Genomics, Inc
Classification: Pathogenic for Polycystic kidney disease 2. Review status: criteria provided, single submitter. Criteria: ACMG Guidelines, 2015. Collection method: clinical testing. Allele origin: germline. Affected: yes.
Comment: Absent from controls (or at extremely low frequency if recessive) in Genome Aggregation Database.;Null variant in a gene where loss of function (LOF) is a known mechanism of disease.;The prevalence of the variant in affected individuals is significantly increased compared to the prevalence in controls.;Patient's phenotype or family history is highly specific for a disease with a single genetic etiology.

Literature cited by the submitters: PubMed 20301424 (cited by Variantyx, Inc.); PubMed 22383692 (cited by Variantyx, Inc. and Labcorp Genetics (formerly Invitae), Labcorp); PubMed 17582161 (cited by Labcorp Genetics (formerly Invitae), Labcorp); PubMed 22863349 (cited by Labcorp Genetics (formerly Invitae), Labcorp).

NM_000297.4(PKD2):c.203del (p.Pro68fs)

Genes: PKD2 (polycystin 2, transient receptor potential cation channel; plus strand), LOC129992813 (ATAC-STARR-seq lymphoblastoid silent region 15559; plus strand). Cytogenetic location: 4q22.1.
Variant type: Deletion.
Coding change: c.203del on transcript NM_000297.4 (MANE Select); coding-DNA position 203, one base deleted (C; older notation c.203delC).
Protein change: p.Pro68fs; shifts the reading frame from proline 68.
Molecular consequence: frameshift variant. On other transcripts: non-coding transcript variant (1).
Genome position (GRCh38, 1-based): chr4:88,007,936, C deleted; the last of 6 consecutive C bases (chr4:88,007,931-88,007,936); deleting any one gives the same sequence. VCF-style (leftmost placement, unchanged base first): chr4-88007930-AC-A. GRCh37 (hg19) VCF-style: chr4-88929082-AC-A.
Other names: c.203delC (NM_000297.3); short protein forms P68fs.
Identifiers: ClinVar variation 3720581 (VCV003720581.4).